The following is an entry in ClinVar:

ClinVar aggregate classification (germline): Pathogenic (1 of 4 stars; one submission).

Conditions:
Glutaric aciduria, type 1. Also called: GA I; Glutaricaciduria, type I; Glutaricacidemia Type 1; Glutaric Acidemia Type 1; Glutaryl-CoA dehydrogenase deficiency; Glutaric acidemia type I. Identifiers: Orphanet 25, MedGen C0268595, MONDO:0009281, OMIM 231670.

Allele frequency attached by ClinVar (database versions not stated): gnomAD exomes below 0.00001.

Submission:

Labcorp Genetics (formerly Invitae), Labcorp
Classification: Pathogenic for Glutaric aciduria, type 1. Last evaluated: 2023-05-31. Review status: criteria provided, single submitter. Criteria: Invitae Variant Classification Sherloc (09022015). Collection method: clinical testing. Allele origin: germline.
Comment: For these reasons, this variant has been classified as Pathogenic. This variant disrupts the p.Met149 amino acid residue in GCDH. Other variant(s) that disrupt this residue have been determined to be pathogenic (Invitae). This suggests that this residue is clinically significant, and that variants that disrupt this residue are likely to be disease-causing. Advanced modeling of protein sequence and biophysical properties (such as structural, functional, and spatial information, amino acid conservation, physicochemical variation, residue mobility, and thermodynamic stability) performed at Invitae indicates that this missense variant is expected to disrupt GCDH protein function. This missense change has been observed in individual(s) with glutaric aciduria type I (Invitae). In at least one individual the data is consistent with being in trans (on the opposite chromosome) from a pathogenic variant. This variant is not present in population databases (gnomAD no frequency). This sequence change replaces methionine, which is neutral and non-polar, with valine, which is neutral and non-polar, at codon 149 of the GCDH protein (p.Met149Val).

NM_000159.4(GCDH):c.445A>G (p.Met149Val)

Gene: GCDH (glutaryl-CoA dehydrogenase; plus strand). Cytogenetic location: 19p13.13.
Variant type: single nucleotide variant.
Coding change: c.445A>G on transcript NM_000159.4 (MANE Select); coding-DNA position 445, A replaced by G.
Protein change: p.Met149Val; replaces methionine 149 with valine.
Molecular consequence: missense variant. On other transcripts: non-coding transcript variant (2).
Genome position (GRCh38, 1-based): chr19:12,893,593, A>G. VCF-style: chr19-12893593-A-G. GRCh37 (hg19) VCF-style: chr19-13004407-A-G.
Other names: c.445A>G, p.Met149Val (NM_013976.5); short protein forms M149V.
Identifiers: ClinVar variation 2981488 (VCV002981488.3), dbSNP rs2512568075, ClinGen allele CA404317560.
Genomic context (GRCh38, chr19:12,893,593, plus strand): 5'-GAGCTGGAGCGGGTGGACAGTGGCTACAGGTCGGCGATGAGTGTCCAGTCCTCCCTCGTC[A>G]TGCACCCTATCTATGCCTATGGCAGCGAGGAACAGCGGCAGAAGTACCTGCCCCAGCTGG-3'
Protein context (NP_000150.1, residues 139-159): SAMSVQSSLV[Met149Val]HPIYAYGSEE